The following is an entry in ClinVar:

NM_000258.3(MYL3):c.411G>T (p.Leu137=)

Gene: MYL3 (myosin light chain 3; minus strand). Cytogenetic location: 3p21.31.
Variant type: single nucleotide variant.
Coding change: c.411G>T on transcript NM_000258.3 (MANE Select); coding-DNA position 411, G replaced by T.
Protein change: p.Leu137=; no amino-acid change (leucine 137 retained).
Molecular consequence: synonymous variant.
Genome position (GRCh38, 1-based): chr3:46,859,545, C>A on the plus strand (G>T on the coding strand, the complement: MYL3 is on the minus strand). VCF-style: chr3-46859545-C-A. GRCh37 (hg19) VCF-style: chr3-46901035-C-A.
Identifiers: ClinVar variation 518858 (VCV000518858.31), dbSNP rs2233265, ClinGen allele CA044106.

ClinVar aggregate classification (germline): Benign/Likely benign. Review status: criteria provided, multiple submitters, no conflicts (2 of 4 stars). 8 submissions from 8 submitters: Benign (5); Likely benign (3). Last evaluated 2025-12-09.

Conditions:
Cardiovascular phenotype. Identifiers: MedGen CN230736.
Cardiomyopathy (CMYO). Also called: Cardiomyopathies. Identifiers: Orphanet 167848, MedGen C0878544, MONDO:0004994, HP:0001638. Inheritance: Various modes of inheritance.
Hypertrophic cardiomyopathy. Also called: HYPERTROPHIC MYOCARDIOPATHY. Identifiers: Orphanet 217569, MedGen C0007194, MeSH D002312, MONDO:0005045, HP:0001639.

Allele frequency attached by ClinVar (database versions not stated): 1000 Genomes Project 0.00020; 1000 Genomes Project 30x 0.00016.
gnomAD v4.1: 77 of 1,614,248 alleles (0.0048%); highest among the groups gnomAD compares: East Asian, 0.11%; no homozygotes.

Submissions (8):

Labcorp Genetics (formerly Invitae), Labcorp
Classification: Benign for Hypertrophic cardiomyopathy. Last evaluated: 2025-12-09. Review status: criteria provided, single submitter. Criteria: Invitae Variant Classification Sherloc (09022015). Collection method: clinical testing. Allele origin: germline.

Molecular Diagnostic Laboratory for Inherited Cardiovascular Disease, Montreal Heart Institute
Classification: Benign. Last evaluated: 2025-04-09. Review status: criteria provided, single submitter. Criteria: ACMG Guidelines, 2015. Collection method: clinical testing. Allele origin: germline. Affected: no.

Blueprint Genetics
Classification: Likely benign. Last evaluated: 2024-10-11. Review status: criteria provided, single submitter. Criteria: ACMG Guidelines, 2015. Collection method: clinical testing. Allele origin: germline.

All of Us Research Program, National Institutes of Health
Classification: Benign for Hypertrophic cardiomyopathy. Last evaluated: 2024-01-11. Review status: criteria provided, single submitter. Criteria: ACMG Guidelines, 2015. Collection method: clinical testing. Allele origin: germline. Inheritance: Autosomal dominant inheritance. Observed: 15 variant alleles, 15 heterozygotes.
Comment: This study involves interpretation of variants in research participants for the purpose of population health screening. Participant phenotype was not available at the time of variant classification. Additional details can be found in publication PMID: 35346344, PMCID: PMC8962531

Color Diagnostics, LLC DBA Color Health
Classification: Benign for Cardiomyopathy. Last evaluated: 2018-10-08. Review status: criteria provided, single submitter. Criteria: ACMG Guidelines, 2015. Collection method: clinical testing. Allele origin: germline.

Ambry Genetics
Classification: Likely benign for Cardiovascular phenotype. Last evaluated: 2017-07-12. Review status: criteria provided, single submitter. Criteria: Ambry Variant Classification Scheme 2023. Collection method: clinical testing. Allele origin: germline.

CHEO Genetics Diagnostic Laboratory, Children's Hospital of Eastern Ontario
Classification: Likely benign for Cardiomyopathy. Last evaluated: 2016-08-23. Review status: criteria provided, single submitter. Criteria: ACMG Guidelines, 2015. Collection method: clinical testing. Allele origin: germline. Study: Canadian Open Genetics Repository.

GeneDx
Classification: Benign. Last evaluated: 2015-03-03. Review status: criteria provided, single submitter. Criteria: GeneDx Variant Classification Process June 2021. Collection method: clinical testing. Allele origin: germline. Affected: yes.